The following is an entry in ClinVar:

NM_015040.4(PIKFYVE):c.279A>G (p.Lys93=)

Gene: PIKFYVE (phosphoinositide kinase, FYVE-type zinc finger containing; plus strand). Cytogenetic location: 2q34.
Variant type: single nucleotide variant.
Coding change: c.279A>G on transcript NM_015040.4 (MANE Select); coding-DNA position 279, A replaced by G.
Protein change: p.Lys93=; no amino-acid change (lysine 93 retained).
Molecular consequence: synonymous variant.
Genome position (GRCh38, 1-based): chr2:208,273,690, A>G. VCF-style: chr2-208273690-A-G. GRCh37 (hg19) VCF-style: chr2-209138414-A-G.
Other names: c.279A>G, p.Lys93= (NM_001178000.2, NM_152671.4).
Identifiers: ClinVar variation 333886 (VCV000333886.14), dbSNP rs36031854, ClinGen allele CA2079209.

ClinVar aggregate classification (germline): Benign. Review status: criteria provided, multiple submitters, no conflicts (2 of 4 stars). 3 submissions from 3 submitters: Benign (3). Last evaluated 2026-01-25.

Conditions:
Fleck corneal dystrophy (CFD). Also called: CORNEAL DYSTROPHY, FRANCOIS-NEETENS SPECKLED OR FLECKED. Identifiers: Orphanet 98970, MedGen C1562113, MONDO:0007376, OMIM 121850.

Allele frequency attached by ClinVar (database versions not stated): gnomAD exomes 0.00282 and 0.00775; ExAC 0.00972; gnomAD 0.02918 and 0.03133; 1000 Genomes Project 0.03055; TOPMed 0.03415; 1000 Genomes Project 30x 0.03451; ESP Exome Variant Server 0.03606.
gnomAD v4.1: 8,774 of 1,614,090 alleles (0.54%); highest among the groups gnomAD compares: African/African-American, 10%; 370 homozygotes.

Submissions (3):

Labcorp Genetics (formerly Invitae), Labcorp
Classification: Benign. Last evaluated: 2026-01-25. Review status: criteria provided, single submitter. Criteria: Invitae Variant Classification Sherloc (09022015). Collection method: clinical testing. Allele origin: germline.

Illumina Laboratory Services, Illumina
Classification: Benign for Fleck corneal dystrophy. Last evaluated: 2018-01-12. Review status: criteria provided, single submitter. Criteria: ICSL Variant Classification Criteria 13 December 2019. Collection method: clinical testing. Allele origin: germline.
Comment: This variant was observed in the ICSL laboratory as part of a predisposition screen in an ostensibly healthy population. It had not been previously curated by ICSL or reported in the Human Gene Mutation Database (HGMD: prior to June 1st, 2018), and was therefore a candidate for classification through an automated scoring system. Utilizing variant allele frequency, disease prevalence and penetrance estimates, and inheritance mode, an automated score was calculated to assess if this variant is too frequent to cause the disease. Based on the score and internal cut-off values, a variant classified as benign is not then subjected to further curation. The score for this variant resulted in a classification of benign for this disease.

Breakthrough Genomics
Classification: Benign. Review status: criteria provided, single submitter. Criteria: ACMG Guidelines, 2015. Collection method: not provided. Allele origin: germline. Inheritance: Autosomal dominant inheritance. Affected: yes.